The following is an entry in ClinVar:

ClinVar aggregate classification (germline): Uncertain significance (1 of 4 stars; one submission).

Submission:

Labcorp Genetics (formerly Invitae), Labcorp
Classification: Uncertain significance. Last evaluated: 2023-04-12. Review status: criteria provided, single submitter. Criteria: Invitae Variant Classification Sherloc (09022015). Collection method: clinical testing. Allele origin: germline.
Comment: This variant, c.1357_1359del, results in the deletion of 1 amino acid(s) of the KLF11 protein (p.Lys453del), but otherwise preserves the integrity of the reading frame. In summary, the available evidence is currently insufficient to determine the role of this variant in disease. Therefore, it has been classified as a Variant of Uncertain Significance. This variant has been observed in individual(s) with clinical features of maturity-onset diabetes of the young (PMID: 32741144). This variant is present in population databases (rs762621409, gnomAD 0.02%).

Literature cited by the submitters: PubMed 32741144.

NM_003597.5(KLF11):c.1354AAG[1] (p.Lys453del)

Gene: KLF11 (KLF transcription factor 11; plus strand). Cytogenetic location: 2p25.1.
Variant type: Microsatellite.
Coding change: c.1354AAG[1] on transcript NM_003597.5 (MANE Select); one copy of the 3-base unit AAG starting at c.1354; the reference has two copies in a row; one copy, 3 bases deleted.
Protein change: p.Lys453del; deletes lysine 453.
Molecular consequence: inframe deletion.
Genome position (GRCh38, 1-based): chr2:10,052,325-10,052,327, AAG deleted; deleting any 3 consecutive bases within chr2:10,052,320-10,052,327 gives the same sequence; the position shown is the placement nearest the transcript's 3' end. VCF-style (leftmost placement, unchanged base first): chr2-10052319-GAGA-G. GRCh37 (hg19) VCF-style: chr2-10192446-GAGA-G.
Other names: c.1303AAG[1], p.Lys436del (NM_001177716.2, NM_001177718.2); short protein forms K453del, K436del.
Identifiers: ClinVar variation 2722008 (VCV002722008.3), dbSNP rs762621409, ClinGen allele CA1525761.